The following is an entry in ClinVar:

NM_001005242.3(PKP2):c.1222_1236dup (p.Gln412_Arg413insAsnGluAspValGln)

Gene: PKP2 (plakophilin 2; minus strand). Cytogenetic location: 12p11.21.
Variant type: Duplication.
Coding change: c.1222_1236dup on transcript NM_001005242.3 (MANE Select); coding-DNA positions 1222 to 1236, 15 bases duplicated (AATGAAGACGTTCAG).
Protein change: p.Gln412_Arg413insAsnGluAspValGln.
Molecular consequence: inframe insertion.
Genome position (GRCh38, 1-based): chr12:32,850,908-32,850,922, CTGAACGTCTTCATT duplicated on the plus strand (AATGAAGACGTTCAG on the coding strand, the reverse complement: PKP2 is on the minus strand); duplicating any 15 consecutive bases within chr12:32,850,908-32,850,928 gives the same sequence; the c. name uses the placement nearest the transcript's 3' end. VCF-style (leftmost placement, unchanged base first): chr12-32850907-G-GCTGAACGTCTTCATT. GRCh37 (hg19) VCF-style: chr12-33003841-G-GCTGAACGTCTTCATT.
Other names: c.1222_1236dup, p.Gln412_Arg413insAsnGluAspValGln (NM_001407155.1, NM_001407156.1, NM_001407157.1 and 2 more transcripts); c.895_909dup, p.Gln303_Arg304insAsnGluAspValGln (NM_001407158.1, NM_001407159.1, NM_001407160.1 and 1 more transcripts).
Identifiers: ClinVar variation 4758431 (VCV004758431.1).

ClinVar aggregate classification (germline): Uncertain significance (1 of 4 stars; one submission).

Conditions:
Cardiomyopathy (CMYO). Also called: Cardiomyopathies. Identifiers: Orphanet 167848, MedGen C0878544, MONDO:0004994, HP:0001638. Inheritance: Various modes of inheritance.

Submission:

Color Diagnostics, LLC DBA Color Health
Classification: Uncertain significance for Cardiomyopathy. Last evaluated: 2025-09-04. Review status: criteria provided, single submitter. Criteria: ACMG Guidelines, 2015. Collection method: clinical testing. Allele origin: germline.
Comment: This variant results in the tandem duplication of 5 amino acids in the PKP2 protein. To our knowledge, functional studies have not been reported for this variant. This variant has not been reported in individuals affected with PKP2-related disorders in the literature. This variant has not been identified in the general population by the Genome Aggregation Database (gnomAD). The available evidence is insufficient to determine the role of this variant in disease conclusively. Therefore, this variant is classified as a Variant of Uncertain Significance.